The following is an entry in ClinVar:

ClinVar aggregate classification (germline): Uncertain significance. Review status: criteria provided, multiple submitters, no conflicts (2 of 4 stars). 2 submissions from 2 submitters: Uncertain significance (2). Last evaluated 2026-01-11.

Allele frequency attached by ClinVar (database versions not stated): gnomAD exomes below 0.00001 and 0.00001; gnomAD 0.00001 and 0.00002; TOPMed 0.00003.
gnomAD v4.1: 5 of 1,613,868 alleles (0.00031%); highest among the groups gnomAD compares: African/African-American, 0.0053%; no homozygotes.

Submissions (2):

Labcorp Genetics (formerly Invitae), Labcorp
Classification: Uncertain significance. Last evaluated: 2026-01-11. Review status: criteria provided, single submitter. Criteria: Invitae Variant Classification Sherloc (09022015). Collection method: clinical testing. Allele origin: germline.
Comment: This sequence change replaces threonine, which is neutral and polar, with alanine, which is neutral and non-polar, at codon 256 of the RECQL protein (p.Thr256Ala). This variant is present in population databases (no rsID available, gnomAD 0.007%). This variant has not been reported in the literature in individuals affected with RECQL-related conditions. ClinVar contains an entry for this variant (Variation ID: 965542). Invitae Evidence Modeling of protein sequence and biophysical properties (such as structural, functional, and spatial information, amino acid conservation, physicochemical variation, residue mobility, and thermodynamic stability) indicates that this missense variant is expected to disrupt RECQL protein function with a positive predictive value of 80%. In summary, the available evidence is currently insufficient to determine the role of this variant in disease. Therefore, it has been classified as a Variant of Uncertain Significance.

Ambry Genetics
Classification: Uncertain significance. Last evaluated: 2024-11-10. Review status: criteria provided, single submitter. Criteria: Ambry Variant Classification Scheme 2023. Collection method: clinical testing. Allele origin: germline.

NM_002907.4(RECQL):c.766A>G (p.Thr256Ala)

Gene: RECQL (RecQ like helicase; minus strand). Cytogenetic location: 12p12.1.
Variant type: single nucleotide variant.
Coding change: c.766A>G on transcript NM_002907.4 (MANE Select); coding-DNA position 766, A replaced by G.
Protein change: p.Thr256Ala; replaces threonine 256 with alanine.
Molecular consequence: missense variant.
Genome position (GRCh38, 1-based): chr12:21,477,904, T>C on the plus strand (A>G on the coding strand, the complement: RECQL is on the minus strand). VCF-style: chr12-21477904-T-C. GRCh37 (hg19) VCF-style: chr12-21630838-T-C.
Other names: c.766A>G, p.Thr256Ala (NM_032941.3); short protein forms T256A.
Identifiers: ClinVar variation 965542 (VCV000965542.14), dbSNP rs918537491, ClinGen allele CA233571127.